The following is an entry in ClinVar:

NM_000018.4(ACADVL):c.1469C>G (p.Ala490Gly)

Gene: ACADVL (acyl-CoA dehydrogenase very long chain; plus strand). Cytogenetic location: 17p13.1.
Variant type: single nucleotide variant.
Coding change: c.1469C>G on transcript NM_000018.4 (MANE Select); coding-DNA position 1469, C replaced by G.
Protein change: p.Ala490Gly; replaces alanine 490 with glycine.
Molecular consequence: missense variant.
Genome position (GRCh38, 1-based): chr17:7,224,180, C>G. VCF-style: chr17-7224180-C-G. GRCh37 (hg19) VCF-style: chr17-7127499-C-G.
Other names: c.1403C>G, p.Ala468Gly (NM_001033859.3); c.1538C>G, p.Ala513Gly (NM_001270447.2); c.1241C>G, p.Ala414Gly (NM_001270448.2); short protein forms A513G, A468G, A490G, A414G.
Identifiers: ClinVar variation 2754607 (VCV002754607.3), dbSNP rs767941627, ClinGen allele CA8338124.

ClinVar aggregate classification (germline): Likely pathogenic (1 of 4 stars; one submission).

Conditions:
Very long chain acyl-CoA dehydrogenase deficiency (ACADVLD). Also called: Very Long-Chain Acyl-Coenzyme A Dehydrogenase Deficiency; VLCAD Deficiency. Identifiers: Orphanet 26793, MedGen C3887523, MONDO:0008723, OMIM 201475.

Allele frequency attached by ClinVar (database versions not stated): ExAC 0.00001.
gnomAD v4.1: 5 of 1,614,136 alleles (0.00031%); highest among the groups gnomAD compares: Non-Finnish European, 0.00042%; no homozygotes.

Submission:

Labcorp Genetics (formerly Invitae), Labcorp
Classification: Likely pathogenic for Very long chain acyl-CoA dehydrogenase deficiency. Last evaluated: 2023-08-23. Review status: criteria provided, single submitter. Criteria: Invitae Variant Classification Sherloc (09022015). Collection method: clinical testing. Allele origin: germline.
Comment: This sequence change replaces alanine, which is neutral and non-polar, with glycine, which is neutral and non-polar, at codon 490 of the ACADVL protein (p.Ala490Gly). This variant is present in population databases (rs767941627, gnomAD 0.0009%). This variant has not been reported in the literature in individuals affected with ACADVL-related conditions. Advanced modeling of protein sequence and biophysical properties (such as structural, functional, and spatial information, amino acid conservation, physicochemical variation, residue mobility, and thermodynamic stability) performed at Invitae indicates that this missense variant is expected to disrupt ACADVL protein function. This variant disrupts the p.Ala490 amino acid residue in ACADVL. Other variant(s) that disrupt this residue have been determined to be pathogenic (PMID: 10077518, 14517516, 17374501, 26453363). This suggests that this residue is clinically significant, and that variants that disrupt this residue are likely to be disease-causing. In summary, the currently available evidence indicates that the variant is pathogenic, but additional data are needed to prove that conclusively. Therefore, this variant has been classified as Likely Pathogenic.

Literature cited by the submitters: PubMed 10077518; PubMed 14517516; PubMed 17374501; PubMed 26453363.